The following is an entry in ClinVar:

NM_006361.6(HOXB13):c.259T>C (p.Tyr87His)

Gene: HOXB13 (homeobox B13; minus strand). Cytogenetic location: 17q21.32.
Variant type: single nucleotide variant.
Coding change: c.259T>C on transcript NM_006361.6 (MANE Select); coding-DNA position 259, T replaced by C.
Protein change: p.Tyr87His; replaces tyrosine 87 with histidine.
Molecular consequence: missense variant.
Genome position (GRCh38, 1-based): chr17:48,728,335, A>G on the plus strand (T>C on the coding strand, the complement: HOXB13 is on the minus strand). VCF-style: chr17-48728335-A-G. GRCh37 (hg19) VCF-style: chr17-46805697-A-G.
Other names: short protein forms Y87H.
Identifiers: ClinVar variation 3526299 (VCV003526299.1).

ClinVar aggregate classification (germline): Uncertain significance (1 of 4 stars; one submission).

Conditions:
Hereditary cancer-predisposing syndrome. Also called: Hereditary Cancer Syndrome; Hereditary neoplastic syndrome; Tumor predisposition; Neoplastic Syndromes, Hereditary. Identifiers: Orphanet 140162, MedGen C0027672, MeSH D009386, MONDO:0015356.

Submission:

Ambry Genetics
Classification: Uncertain significance for Hereditary cancer-predisposing syndrome. Last evaluated: 2024-10-01. Review status: criteria provided, single submitter. Criteria: Ambry Variant Classification Scheme 2023. Collection method: clinical testing. Allele origin: germline.
Comment: The p.Y87H variant (also known as c.259T>C), located in coding exon 1 of the HOXB13 gene, results from a T to C substitution at nucleotide position 259. The tyrosine at codon 87 is replaced by histidine, an amino acid with similar properties. This amino acid position is conserved. In addition, the in silico prediction for this alteration is inconclusive. Based on the available evidence, the clinical significance of this variant remains unclear.